The following is an entry in ClinVar:

ClinVar aggregate classification (germline): Uncertain significance (1 of 4 stars; one submission).

Conditions:
Emery-Dreifuss muscular dystrophy 4, autosomal dominant (EDMD4). Also called: EMERY-DREIFUSS MUSCULAR DYSTROPHY 4 WITH VARIABLE FEATURES. Identifiers: Orphanet 261, MedGen C2751807, MONDO:0013071, OMIM 612998.
Autosomal recessive ataxia, Beauce type. Also called: Spinocerebellar ataxia, autosomal recessive 8; ATAXIA, RECESSIVE, OF BEAUCE; SYNE1-Related Autosomal Recessive Cerebellar Ataxia; SYNE1 Deficiency. Identifiers: Orphanet 88644, MedGen C1853116, MONDO:0012549, OMIM 610743.

Allele frequency attached by ClinVar (database versions not stated): gnomAD exomes below 0.00001; TOPMed below 0.00001; gnomAD 0.00001; 1000 Genomes Project 30x 0.00016; 1000 Genomes Project 0.00020.
gnomAD v4.1: 3 of 1,614,106 alleles (0.00019%); highest among the groups gnomAD compares: Admixed American, 0.005%; no homozygotes.

Submission:

Labcorp Genetics (formerly Invitae), Labcorp
Classification: Uncertain significance for Emery-Dreifuss muscular dystrophy 4, autosomal dominant; Autosomal recessive ataxia, Beauce type. Last evaluated: 2019-05-23. Review status: criteria provided, single submitter. Criteria: Invitae Variant Classification Sherloc (09022015). Collection method: clinical testing. Allele origin: germline.
Comment: This sequence change falls in intron 93 of the SYNE1 gene. It does not directly change the encoded amino acid sequence of the SYNE1 protein, but it affects a nucleotide within the consensus splice site of the intron. This variant is not present in population databases (ExAC no frequency). This variant has not been reported in the literature in individuals with SYNE1-related conditions. Nucleotide substitutions within the consensus splice site are a relatively common cause of aberrant splicing (PMID: 17576681, 9536098). Algorithms developed to predict the effect of sequence changes on RNA splicing suggest that this variant may disrupt the consensus splice site, but this prediction has not been confirmed by published transcriptional studies. In summary, the available evidence is currently insufficient to determine the role of this variant in disease. Therefore, it has been classified as a Variant of Uncertain Significance.

Literature cited by the submitters: PubMed 17576681; PubMed 9536098.

NM_182961.4(SYNE1):c.17850+4A>G

Gene: SYNE1 (spectrin repeat containing nuclear envelope protein 1; minus strand). Cytogenetic location: 6q25.2.
Variant type: single nucleotide variant.
Coding change: c.17850+4A>G on transcript NM_182961.4 (MANE Select); 4 bases into the intron after coding-DNA position 17850, A replaced by G.
Molecular consequence: intron variant.
Genome position (GRCh38, 1-based): chr6:152,293,956, T>C on the plus strand (A>G on the coding strand, the complement: SYNE1 is on the minus strand). VCF-style: chr6-152293956-T-C. GRCh37 (hg19) VCF-style: chr6-152615091-T-C.
Other names: c.17637+4A>G (NM_033071.5).
Identifiers: ClinVar variation 936603 (VCV000936603.3), dbSNP rs200922100, ClinGen allele CA150193135.